The following is an entry in ClinVar:

ClinVar aggregate classification (germline): Uncertain significance (1 of 4 stars; one submission).

Conditions:
Early-infantile DEE. Also called: Early infantile epileptic encephalopathy; Early infantile epileptic encephalopathy with suppression bursts; Ohtahara syndrome. Identifiers: Orphanet 1934, MedGen C0393706, MONDO:0800491.

gnomAD v4.1: 1 of 1,610,772 alleles (0.000062%); highest among the groups gnomAD compares: Non-Finnish European, 0.000085%; no homozygotes.

Submission:

Labcorp Genetics (formerly Invitae), Labcorp
Classification: Uncertain significance for Early-infantile DEE. Last evaluated: 2024-06-12. Review status: criteria provided, single submitter. Criteria: Invitae Variant Classification Sherloc (09022015). Collection method: clinical testing. Allele origin: germline.
Comment: This sequence change replaces glutamic acid, which is acidic and polar, with lysine, which is basic and polar, at codon 518 of the ARHGEF15 protein (p.Glu518Lys). This variant is not present in population databases (gnomAD no frequency). This variant has not been reported in the literature in individuals affected with ARHGEF15-related conditions. An algorithm developed to predict the effect of missense changes on protein structure and function (PolyPhen-2) suggests that this variant is likely to be disruptive. In summary, the available evidence is currently insufficient to determine the role of this variant in disease. Therefore, it has been classified as a Variant of Uncertain Significance.

NM_173728.4(ARHGEF15):c.1552G>A (p.Glu518Lys)

Gene: ARHGEF15 (Rho guanine nucleotide exchange factor 15; plus strand). Cytogenetic location: 17p13.1.
Variant type: single nucleotide variant.
Coding change: c.1552G>A on transcript NM_173728.4 (MANE Select); coding-DNA position 1552, G replaced by A.
Protein change: p.Glu518Lys; replaces glutamic acid 518 with lysine.
Molecular consequence: missense variant.
Genome position (GRCh38, 1-based): chr17:8,315,885, G>A. VCF-style: chr17-8315885-G-A. GRCh37 (hg19) VCF-style: chr17-8219203-G-A.
Other names: c.1552G>A, p.Glu518Lys (NM_025014.2); short protein forms E518K.
Identifiers: ClinVar variation 2800749 (VCV002800749.3), dbSNP rs1176409545, ClinGen allele CA398021014.